The following is an entry in ClinVar:

NM_001605.3(AARS1):c.1291G>C (p.Glu431Gln)

Gene: AARS1 (alanyl-tRNA synthetase 1; minus strand). Cytogenetic location: 16q22.1.
Variant type: single nucleotide variant.
Coding change: c.1291G>C on transcript NM_001605.3 (MANE Select); coding-DNA position 1291, G replaced by C.
Protein change: p.Glu431Gln; replaces glutamic acid 431 with glutamine.
Molecular consequence: missense variant.
Genome position (GRCh38, 1-based): chr16:70,265,594, C>G on the plus strand (G>C on the coding strand, the complement: AARS1 is on the minus strand). VCF-style: chr16-70265594-C-G. GRCh37 (hg19) VCF-style: chr16-70299497-C-G.
Other names: short protein forms E431Q.
Identifiers: ClinVar variation 3897064 (VCV003897064.1).
Genomic context (GRCh38, chr16:70,265,594, plus strand): 5'-TTACCTGGGCCAGTTTCCTCTCCTCTTCAAAGCCATCCATGTCTACCACCAGGCCCTTCT[C>G]TTCAGCAATCAGTCCAGTCAGATCCACTGGAAACCCATAGGTGTCATAGAGGAGCCAAGC-3'
Protein context (NP_001596.2, residues 421-441): PVDLTGLIAE[Glu431Gln]KGLVVDMDGF

ClinVar aggregate classification (germline): Uncertain significance (1 of 4 stars; one submission).

Conditions:
Charcot-Marie-Tooth disease axonal type 2N (CMT2N). Also called: CHARCOT-MARIE-TOOTH DISEASE, AXONAL, AUTOSOMAL DOMINANT, TYPE 2N; CHARCOT-MARIE-TOOTH NEUROPATHY, AXONAL, TYPE 2N; Charcot-Marie-Tooth Neuropathy Type 2N. Identifiers: Orphanet 228174, MedGen C2750090, MONDO:0013212, OMIM 613287.

Submission:

Kariminejad - Najmabadi Pathology & Genetics Center
Classification: Uncertain significance for Charcot-Marie-Tooth disease axonal type 2N. Last evaluated: 2024-05-07. Review status: criteria provided, single submitter. Criteria: ACMG Guidelines, 2015. Collection method: clinical testing. Allele origin: germline. Inheritance: Autosomal dominant inheritance. Affected: yes.
Comment: PM2_Moderate,PP3_Moderate